The following is an entry in ClinVar:

ClinVar aggregate classification (germline): Likely pathogenic (1 of 4 stars; one submission).

Conditions:
Intellectual disability, autosomal dominant 24 (VSVS). Also called: VULTO-VAN SILFHOUT-DE VRIES SYNDROME. Identifiers: MedGen C4014414, MONDO:0014357, OMIM 615828.

Submission:

Greenwood Genetic Center Diagnostic Laboratories, Greenwood Genetic Center
Classification: Likely pathogenic for Intellectual disability, autosomal dominant 24. Last evaluated: 2022-07-27. Review status: criteria provided, single submitter. Criteria: ACMG Guidelines, 2015. Collection method: clinical testing. Allele origin: germline. Affected: yes.
Comment: PS2, PM1, PM2, PP3

NM_021008.4(DEAF1):c.664G>A (p.Gly222Ser)

Gene: DEAF1 (DEAF1 transcription factor; minus strand). Cytogenetic location: 11p15.5.
Variant type: single nucleotide variant.
Coding change: c.664G>A on transcript NM_021008.4 (MANE Select); coding-DNA position 664, G replaced by A.
Protein change: p.Gly222Ser; replaces glycine 222 with serine.
Molecular consequence: missense variant. On other transcripts: 5 prime UTR variant (1).
Genome position (GRCh38, 1-based): chr11:687,911, C>T on the plus strand (G>A on the coding strand, the complement: DEAF1 is on the minus strand). VCF-style: chr11-687911-C-T. GRCh37 (hg19) VCF-style: chr11-687911-C-T.
Other names: c.664G>A, p.Gly222Arg (NM_001293634.2); c.-63G>A (NM_001367390.1); short protein forms G222R, G222S.
Identifiers: ClinVar variation 1710462 (VCV001710462.3), dbSNP rs2494454945, ClinGen allele CA378933272.